The following is an entry in ClinVar:

ClinVar aggregate classification (germline): Uncertain significance (1 of 4 stars; one submission).

Conditions:
Hereditary cancer-predisposing syndrome. Also called: Neoplastic Syndromes, Hereditary; Tumor predisposition; Hereditary Cancer Syndrome; Hereditary neoplastic syndrome. Identifiers: Orphanet 140162, MedGen C0027672, MeSH D009386, MONDO:0015356.

Submission:

Ambry Genetics
Classification: Uncertain significance for Hereditary cancer-predisposing syndrome. Last evaluated: 2019-04-10. Review status: criteria provided, single submitter. Criteria: Ambry Variant Classification Scheme 2023. Collection method: clinical testing. Allele origin: germline.
Comment: The c.778_779delGAinsTC variant, located in coding exon 8 of the BRCA2 gene, results from an in-frame deletion of GA and insertion of TC at nucleotide positions 778 to 779. This nucleotide region is well conserved in available vertebrate species. Since supporting evidence is limited at this time, the clinical significance of this alteration remains unclear.

NM_000059.4(BRCA2):c.778_779inv (p.Glu260Ser)

Gene: BRCA2 (BRCA2 DNA repair associated; plus strand). Cytogenetic location: 13q13.1.
Variant type: Inversion.
Coding change: c.778_779inv on transcript NM_000059.4 (MANE Select).
Protein change: p.Glu260Ser; replaces glutamic acid 260 with serine.
Molecular consequence: missense variant.
Genome position: GRCh38 VCF-style: chr13-32331015-GA-TC. GRCh37 (hg19) VCF-style: chr13-32905152-GA-TC.
Other names: c.778_779delGAinsTC (NM_000059.3); c.778_779invGA, p.Glu260Ser (NM_001406719.1, NM_001406720.1, NM_001406721.1); c.409_410invGA, p.Glu137Ser (NM_001406722.1); short protein forms E137S, E260S.
Identifiers: ClinVar variation 1760601 (VCV001760601.2), ClinGen allele CA2580087095.